The following is an entry in ClinVar:

NM_006469.5(IVNS1ABP):c.842C>G (p.Thr281Arg)

Gene: IVNS1ABP (influenza virus NS1A binding protein; minus strand). Cytogenetic location: 1q25.3.
Variant type: single nucleotide variant.
Coding change: c.842C>G on transcript NM_006469.5 (MANE Select); coding-DNA position 842, C replaced by G.
Protein change: p.Thr281Arg; replaces threonine 281 with arginine.
Molecular consequence: missense variant.
Genome position (GRCh38, 1-based): chr1:185,301,487, G>C on the plus strand (C>G on the coding strand, the complement: IVNS1ABP is on the minus strand). VCF-style: chr1-185301487-G-C. GRCh37 (hg19) VCF-style: chr1-185270619-G-C.
Other names: short protein forms T281R.
Identifiers: ClinVar variation 3531079 (VCV003531079.2).

ClinVar aggregate classification (germline): Uncertain significance. Review status: criteria provided, multiple submitters, no conflicts (2 of 4 stars). 2 submissions from 2 submitters: Uncertain significance (2). Last evaluated 2025-02-11.

Conditions:
IVNS1ABP-related disorder. Also called: IVNS1ABP-related condition.

gnomAD v4.1: 44 of 1,613,034 alleles (0.0027%); highest among the groups gnomAD compares: Non-Finnish European, 0.0035%; no homozygotes.

Submissions (2):

PreventionGenetics, part of Exact Sciences
Classification: Uncertain significance for IVNS1ABP-related condition. Last evaluated: 2025-02-11. Review status: criteria provided, single submitter. Criteria: ACMG Guidelines, 2015. Collection method: clinical testing. Allele origin: germline.
Comment: The IVNS1ABP c.842C>G variant is predicted to result in the amino acid substitution p.Thr281Arg. To our knowledge, this variant has not been reported in the literature. This variant is reported in 0.0058% of alleles in individuals of Latino descent in gnomAD. At this time, the clinical significance of this variant is uncertain due to the absence of conclusive functional and genetic evidence.

Ambry Genetics
Classification: Uncertain significance. Last evaluated: 2024-11-24. Review status: criteria provided, single submitter. Criteria: Ambry Variant Classification Scheme 2023. Collection method: clinical testing. Allele origin: germline.